The following is an entry in ClinVar:

NM_178013.4(PRIMA1):c.272C>T (p.Ser91Leu)

Gene: PRIMA1 (proline rich membrane anchor 1; minus strand). Cytogenetic location: 14q32.12.
Variant type: single nucleotide variant.
Coding change: c.272C>T on transcript NM_178013.4 (MANE Select); coding-DNA position 272, C replaced by T.
Protein change: p.Ser91Leu; replaces serine 91 with leucine.
Molecular consequence: missense variant.
Genome position (GRCh38, 1-based): chr14:93,737,328, G>A on the plus strand (C>T on the coding strand, the complement: PRIMA1 is on the minus strand). VCF-style: chr14-93737328-G-A. GRCh37 (hg19) VCF-style: chr14-94203674-G-A.
Other names: short protein forms S91L.
Identifiers: ClinVar variation 1392873 (VCV001392873.3), dbSNP rs1461678706, ClinGen allele CA390821258.

ClinVar aggregate classification (germline): Uncertain significance (1 of 4 stars; one submission).

Conditions:
Familial sleep-related hypermotor epilepsy. Also called: Autosomal Dominant Sleep-Related Hypermotor (Hyperkinetic) Epilepsy. Identifiers: Orphanet 98784, MedGen C3696898, MONDO:0000030.

Allele frequency attached by ClinVar (database versions not stated): gnomAD exomes below 0.00001.

Submission:

Labcorp Genetics (formerly Invitae), Labcorp
Classification: Uncertain significance for Familial sleep-related hypermotor epilepsy. Last evaluated: 2021-11-08. Review status: criteria provided, single submitter. Criteria: Invitae Variant Classification Sherloc (09022015). Collection method: clinical testing. Allele origin: germline.
Comment: This sequence change replaces serine, which is neutral and polar, with leucine, which is neutral and non-polar, at codon 91 of the PRIMA1 protein (p.Ser91Leu). This variant is present in population databases (no rsID available, gnomAD 0.002%). This variant has not been reported in the literature in individuals affected with PRIMA1-related conditions. Algorithms developed to predict the effect of missense changes on protein structure and function are either unavailable or do not agree on the potential impact of this missense change (SIFT: "Tolerated"; PolyPhen-2: "Probably Damaging"; Align-GVGD: "Class C0"). In summary, the available evidence is currently insufficient to determine the role of this variant in disease. Therefore, it has been classified as a Variant of Uncertain Significance.